The following is an entry in ClinVar:

ClinVar aggregate classification (germline): Uncertain significance (1 of 4 stars; one submission).

gnomAD v4.1: 1 of 1,604,304 alleles (0.000062%); no homozygotes.

Submission:

GeneDx
Classification: Uncertain significance. Last evaluated: 2024-10-31. Review status: criteria provided, single submitter. Criteria: GeneDx Variant Classification Process June 2021. Collection method: clinical testing. Allele origin: germline. Affected: yes.
Comment: Not observed at significant frequency in large population cohorts (gnomAD); In silico analysis indicates that this missense variant does not alter protein structure/function; Has not been previously published as pathogenic or benign to our knowledge

NM_004700.4(KCNQ4):c.691G>A (p.Val231Ile)

Gene: KCNQ4 (potassium voltage-gated channel subfamily Q member 4; plus strand). Cytogenetic location: 1p34.2.
Variant type: single nucleotide variant.
Coding change: c.691G>A on transcript NM_004700.4 (MANE Select); coding-DNA position 691, G replaced by A.
Protein change: p.Val231Ile; replaces valine 231 with isoleucine.
Molecular consequence: missense variant.
Genome position (GRCh38, 1-based): chr1:40,818,663, G>A. VCF-style: chr1-40818663-G-A. GRCh37 (hg19) VCF-style: chr1-41284335-G-A.
Other names: c.691G>A, p.Val231Ile (NM_172163.3); short protein forms V231I.
Identifiers: ClinVar variation 3897481 (VCV003897481.1).
Genomic context (GRCh38, chr1:40,818,663, plus strand): 5'-ATCCTGCGCATGGTGCGCATGGACCGCCGCGGCGGCACCTGGAAGCTGCTGGGCTCAGTG[G>A]TCTACGCGCATAGCAAGGTGAGGCCTGCAAGCCGCGCGCGGAGACCCGAGGGCGTGTCTG-3'
Protein context (NP_004691.2, residues 221-241): GGTWKLLGSV[Val231Ile]YAHSKELITA